The following is an entry in ClinVar:

ClinVar aggregate classification (germline): Likely benign (0 of 4 stars; one submission).

Conditions:
CSMD1-related disorder. Also called: CSMD1-related condition.

Allele frequency attached by ClinVar (database versions not stated): gnomAD exomes below 0.00001.
gnomAD v4.1: 2 of 1,590,960 alleles (0.00013%); highest among the groups gnomAD compares: Non-Finnish European, 0.00017%; no homozygotes.

Submission:

PreventionGenetics, part of Exact Sciences
Classification: Likely benign for CSMD1-related condition. Last evaluated: 2019-09-18. Review status: no assertion criteria provided. Collection method: clinical testing. Allele origin: germline.
Comment: This variant is classified as likely benign based on ACMG/AMP sequence variant interpretation guidelines (Richards et al. 2015 PMID: 25741868, with internal and published modifications).

NM_033225.6(CSMD1):c.5217C>G (p.Thr1739=)

Gene: CSMD1 (CUB and Sushi multiple domains 1; minus strand). Cytogenetic location: 8p23.2.
Variant type: single nucleotide variant.
Coding change: c.5217C>G on transcript NM_033225.6 (MANE Select); coding-DNA position 5217, C replaced by G.
Protein change: p.Thr1739=; no amino-acid change (threonine 1739 retained).
Molecular consequence: synonymous variant.
Genome position (GRCh38, 1-based): chr8:3,190,093, G>C on the plus strand (C>G on the coding strand, the complement: CSMD1 is on the minus strand). VCF-style: chr8-3190093-G-C. GRCh37 (hg19) VCF-style: chr8-3047615-G-C.
Identifiers: ClinVar variation 3039885 (VCV003039885.2), dbSNP rs759102740, ClinGen allele CA4607029.